The following is an entry in ClinVar:

NM_001114753.3(ENG):c.581T>C (p.Leu194Pro)

Gene: ENG (endoglin; minus strand). Cytogenetic location: 9q34.11.
Variant type: single nucleotide variant.
Coding change: c.581T>C on transcript NM_001114753.3 (MANE Select); coding-DNA position 581, T replaced by C.
Protein change: p.Leu194Pro; replaces leucine 194 with proline.
Molecular consequence: missense variant.
Genome position (GRCh38, 1-based): chr9:127,825,803, A>G on the plus strand (T>C on the coding strand, the complement: ENG is on the minus strand). VCF-style: chr9-127825803-A-G. GRCh37 (hg19) VCF-style: chr9-130588082-A-G.
Other names: c.581T>C, p.Leu194Pro (NM_000118.4, NM_001406715.1); c.35T>C, p.Leu12Pro (NM_001278138.2); short protein forms L12P, L194P.
Identifiers: ClinVar variation 1303035 (VCV001303035.10), dbSNP rs2131889364, ClinGen allele CA374983690.

ClinVar aggregate classification (germline): Conflicting classifications of pathogenicity. Review status: criteria provided, conflicting classifications (1 of 4 stars). 3 submissions from 3 submitters: Pathogenic (1); Likely pathogenic (1); Uncertain significance (1). Last evaluated 2024-02-14.

Conditions:
Cardiovascular phenotype. Identifiers: MedGen CN230736.
Hereditary hemorrhagic telangiectasia (HHT). Also called: ORW DISEASE; Osler Weber Rendu syndrome; OSLER-RENDU-WEBER DISEASE; Osler hemorrhagic telangiectasia syndrome. Identifiers: Orphanet 774, MedGen C0039445, MONDO:0019180. Disease mechanism: loss of function.

Submissions (3):

Labcorp Genetics (formerly Invitae), Labcorp
Classification: Likely pathogenic for Hereditary hemorrhagic telangiectasia. Last evaluated: 2024-02-14. Review status: criteria provided, single submitter. Criteria: Invitae Variant Classification Sherloc (09022015). Collection method: clinical testing. Allele origin: germline.
Comment: This sequence change replaces leucine, which is neutral and non-polar, with proline, which is neutral and non-polar, at codon 194 of the ENG protein (p.Leu194Pro). This variant is not present in population databases (gnomAD no frequency). This missense change has been observed in individual(s) with hereditary hemorrhagic telangiectasia (PMID: 12673790, 20414677). ClinVar contains an entry for this variant (Variation ID: 1303035). Advanced modeling of protein sequence and biophysical properties (such as structural, functional, and spatial information, amino acid conservation, physicochemical variation, residue mobility, and thermodynamic stability) performed at Invitae indicates that this missense variant is expected to disrupt ENG protein function with a positive predictive value of 95%. Studies have shown that this missense change alters ENG gene expression (PMID: 12673790, 15907823). In summary, the currently available evidence indicates that the variant is pathogenic, but additional data are needed to prove that conclusively. Therefore, this variant has been classified as Likely Pathogenic.

Ambry Genetics
Classification: Pathogenic for Cardiovascular phenotype. Last evaluated: 2021-09-10. Review status: criteria provided, single submitter. Criteria: Ambry Variant Classification Scheme 2023. Collection method: clinical testing. Allele origin: germline.
Comment: The p.L194P pathogenic mutation (also known as c.581T>C), located in coding exon 5 of the ENG gene, results from a T to C substitution at nucleotide position 581. The leucine at codon 194 is replaced by proline, an amino acid with similar properties. This variant has been reported in an individual with epistaxis, telangiectases, and pulmonary arteriovenous malformation; protein studies demonstrated reduced endoglin levels that is partially glycosylated and accumulates intracellularly (Cymerman U et al. Hum. Mutat., 2003 May;21:482-92). This alteration has also been observed in at least one individual with a personal and/or family history that is consistent with ENG-related disease (Ambry internal data). Based on internal structural analysis, this variant is predicted to result in decreased structural stability. This variant is considered to be rare based on population cohorts in the Genome Aggregation Database (gnomAD). This amino acid position is highly conserved in available vertebrate species. In addition, this alteration is predicted to be deleterious by in silico analysis. Based on the supporting evidence, this alteration is interpreted as a disease-causing mutation.

GeneDx
Classification: Uncertain significance. Last evaluated: 2020-01-16. Review status: criteria provided, single submitter. Criteria: GeneDx Variant Classification Process June 2021. Collection method: clinical testing. Allele origin: germline. Affected: yes.
Comment: Not observed in large population cohorts (Lek et al., 2016); In silico analysis, which includes protein predictors and evolutionary conservation, supports a deleterious effect; Reported in association with HHT (Cymerman et al., 2003; Prigoda et al., 2006); however, additional clinical information was not provided; This variant is associated with the following publications: (PMID: 12673790, 16690726)

Literature cited by the submitters: PubMed 12673790 (cited by Labcorp Genetics (formerly Invitae), Labcorp and Ambry Genetics); PubMed 20414677 (cited by Labcorp Genetics (formerly Invitae), Labcorp and Ambry Genetics); PubMed 15907823 (cited by Labcorp Genetics (formerly Invitae), Labcorp).